The following is an entry in ClinVar:

NM_001844.5(COL2A1):c.1228C>A (p.Pro410Thr)

Gene: COL2A1 (collagen type II alpha 1 chain; minus strand). Cytogenetic location: 12q13.11.
Variant type: single nucleotide variant.
Coding change: c.1228C>A on transcript NM_001844.5 (MANE Select); coding-DNA position 1228, C replaced by A.
Protein change: p.Pro410Thr; replaces proline 410 with threonine.
Molecular consequence: missense variant.
Genome position (GRCh38, 1-based): chr12:47,987,307, G>T on the plus strand (C>A on the coding strand, the complement: COL2A1 is on the minus strand). VCF-style: chr12-47987307-G-T. GRCh37 (hg19) VCF-style: chr12-48381090-G-T.
Other names: c.1021C>A, p.Pro341Thr (NM_033150.3); short protein forms P341T, P410T.
Identifiers: ClinVar variation 4293174 (VCV004293174.1).
Genomic context (GRCh38, chr12:47,987,307, plus strand): 5'-AAAGTCCACGGGCAACACTCACAGCAGATCCTTTGGCTCCAGGAATTCCATCTGTTCCAG[G>T]GTTACCCTGAAAAGGGAGACATTGTCAAATAAGCAGCAAAGAATGAACCCCAACCACCTC-3'
Protein context (NP_001835.3, residues 400-420): SPGPAGASGN[Pro410Thr]GTDGIPGAKG

ClinVar aggregate classification (germline): Uncertain significance (1 of 4 stars; one submission).

Conditions:
COL2A1-related disorder. Also called: COL2A1-related condition; COL2A1-related disorders.

gnomAD v4.1: 2 of 1,613,948 alleles (0.00012%); highest among the groups gnomAD compares: Non-Finnish European, 0.00017%; no homozygotes.

Submission:

3billion
Classification: Uncertain significance for COL2A1-related disorder. Last evaluated: 2024-12-02. Review status: criteria provided, single submitter. Criteria: ACMG Guidelines, 2015. Collection method: clinical testing. Allele origin: germline. Affected: yes.
Comment: The variant is observed at an extremely low frequency in the gnomAD v4.1.0 dataset (total allele frequency: <0.001%). Predicted Consequence/Location: The variant is located in a mutational hot spot and/or well-established functional domain in which established pathogenic variants have been reported (PMID: 26626311). In silico tool predictions suggest damaging effect of the variant on gene or gene product [REVEL: 0.80 (>=0.6, sensitivity 0.68 and specificity 0.92)]. Therefore, this variant is classified as VUS according to the recommendation of ACMG/AMP guideline.